The following is an entry in ClinVar:

NM_001379081.2(FREM1):c.6418G>A (p.Gly2140Arg)

Gene: FREM1 (FRAS1 related extracellular matrix 1; minus strand). Cytogenetic location: 9p22.3.
Variant type: single nucleotide variant.
Coding change: c.6418G>A on transcript NM_001379081.2 (MANE Select); coding-DNA position 6418, G replaced by A.
Protein change: p.Gly2140Arg; replaces glycine 2140 with arginine.
Molecular consequence: missense variant. On other transcripts: 3 prime UTR variant (1), non-coding transcript variant (3).
Genome position (GRCh38, 1-based): chr9:14,737,518, C>T on the plus strand (G>A on the coding strand, the complement: FREM1 is on the minus strand). VCF-style: chr9-14737518-C-T. GRCh37 (hg19) VCF-style: chr9-14737516-C-T.
Other names: c.2026G>A, p.Gly676Arg (NM_001177704.3, NM_001370061.2); c.*29G>A (NM_001370058.2); c.6418G>A, p.Gly2140Arg (NM_144966.7); short protein forms G676R, G2140R.
Identifiers: ClinVar variation 2055469 (VCV002055469.4), dbSNP rs2538957851, ClinGen allele CA372961266.

ClinVar aggregate classification (germline): Uncertain significance (1 of 4 stars; one submission).

Submission:

Labcorp Genetics (formerly Invitae), Labcorp
Classification: Uncertain significance. Last evaluated: 2021-12-23. Review status: criteria provided, single submitter. Criteria: Invitae Variant Classification Sherloc (09022015). Collection method: clinical testing. Allele origin: germline.
Comment: This sequence change replaces glycine, which is neutral and non-polar, with arginine, which is basic and polar, at codon 2140 of the FREM1 protein (p.Gly2140Arg). This variant is not present in population databases (gnomAD no frequency). This variant has not been reported in the literature in individuals affected with FREM1-related conditions. Algorithms developed to predict the effect of missense changes on protein structure and function output the following: SIFT: "Deleterious"; PolyPhen-2: "Benign"; Align-GVGD: "Class C0". The arginine amino acid residue is found in multiple mammalian species, which suggests that this missense change does not adversely affect protein function. In summary, the available evidence is currently insufficient to determine the role of this variant in disease. Therefore, it has been classified as a Variant of Uncertain Significance.